The following is an entry in ClinVar:

ClinVar aggregate classification (germline): Uncertain significance. Review status: criteria provided, multiple submitters, no conflicts (2 of 4 stars). 3 submissions from 3 submitters: Uncertain significance (3). Last evaluated 2023-04-11.

Conditions:
Geroderma osteodysplastica (GO). Also called: WALT DISNEY DWARFISM; Geroderma osteodysplasticum. Identifiers: Orphanet 2078, MedGen C0432255, MONDO:0009271, OMIM 231070.
Inborn genetic diseases. Identifiers: MedGen C0950123, MeSH D030342.

Allele frequency attached by ClinVar (database versions not stated): gnomAD exomes 0.00003; gnomAD 0.00001; TOPMed 0.00002.
gnomAD v4.1: 51 of 1,613,974 alleles (0.0032%); highest among the groups gnomAD compares: Non-Finnish European, 0.0043%; no homozygotes.

Submissions (3):

Genome-Nilou Lab
Classification: Uncertain significance for Geroderma osteodysplastica. Last evaluated: 2023-04-11. Review status: criteria provided, single submitter. Criteria: ACMG Guidelines, 2015. Collection method: clinical testing. Allele origin: germline. Affected: no.

Ambry Genetics
Classification: Uncertain significance for Inborn genetic diseases. Last evaluated: 2023-02-14. Review status: criteria provided, single submitter. Criteria: Ambry Variant Classification Scheme 2023. Collection method: clinical testing. Allele origin: germline.

Labcorp Genetics (formerly Invitae), Labcorp
Classification: Uncertain significance. Last evaluated: 2022-06-11. Review status: criteria provided, single submitter. Criteria: Invitae Variant Classification Sherloc (09022015). Collection method: clinical testing. Allele origin: germline.
Comment: This sequence change replaces proline, which is neutral and non-polar, with arginine, which is basic and polar, at codon 104 of the GORAB protein (p.Pro104Arg). This variant is present in population databases (no rsID available, gnomAD 0.003%). This variant has not been reported in the literature in individuals affected with GORAB-related conditions. Algorithms developed to predict the effect of missense changes on protein structure and function output the following: SIFT: "Tolerated"; PolyPhen-2: "Benign"; Align-GVGD: "Class C0". The arginine amino acid residue is found in multiple mammalian species, which suggests that this missense change does not adversely affect protein function. In summary, the available evidence is currently insufficient to determine the role of this variant in disease. Therefore, it has been classified as a Variant of Uncertain Significance.

NM_152281.3(GORAB):c.236C>G (p.Pro79Arg)

Gene: GORAB (golgin, RAB6 interacting; plus strand). Cytogenetic location: 1q24.2.
Variant type: single nucleotide variant.
Coding change: c.236C>G on transcript NM_152281.3 (MANE Select); coding-DNA position 236, C replaced by G.
Protein change: p.Pro79Arg; replaces proline 79 with arginine.
Molecular consequence: missense variant. On other transcripts: 5 prime UTR variant (1), non-coding transcript variant (1).
Genome position (GRCh38, 1-based): chr1:170,539,384, C>G. VCF-style: chr1-170539384-C-G. GRCh37 (hg19) VCF-style: chr1-170508525-C-G.
Other names: c.311C>G (NM_152281.2); c.236C>G, p.Pro79Arg (NM_001146039.2); c.-230C>G (NM_001320252.2); c.185C>G, p.Pro62Arg (NM_001410894.1); short protein forms P62R, P79R.
Identifiers: ClinVar variation 2183787 (VCV002183787.4), dbSNP rs1329456647, ClinGen allele CA343162369.